The following is an entry in ClinVar:

ClinVar aggregate classification (germline): Likely benign (1 of 4 stars; one submission).

Allele frequency attached by ClinVar (database versions not stated): ExAC 0.00001.
gnomAD v4.1: 1 of 1,613,926 alleles (0.000062%); highest among the groups gnomAD compares: Non-Finnish European, 0.000085%; no homozygotes.

Submission:

CeGaT Center for Human Genetics Tuebingen
Classification: Likely benign. Last evaluated: 2023-12-01. Review status: criteria provided, single submitter. Criteria: CeGaT Center For Human Genetics Tuebingen Variant Classification Criteria Version 2. Collection method: clinical testing. Allele origin: germline. Affected: yes. Observed: 1 variant allele.
Comment: CNOT3: BP4

NM_014516.4(CNOT3):c.213C>A (p.Ile71=)

Gene: CNOT3 (CCR4-NOT transcription complex subunit 3; plus strand). Cytogenetic location: 19q13.42.
Variant type: single nucleotide variant.
Coding change: c.213C>A on transcript NM_014516.4 (MANE Select); coding-DNA position 213, C replaced by A.
Protein change: p.Ile71=; no amino-acid change (isoleucine 71 retained).
Molecular consequence: synonymous variant.
Genome position (GRCh38, 1-based): chr19:54,143,704, C>A. VCF-style: chr19-54143704-C-A. GRCh37 (hg19) VCF-style: chr19-54647440-C-A.
Identifiers: ClinVar variation 3026614 (VCV003026614.22), dbSNP rs776162140, ClinGen allele CA309338535.